The following is an entry in ClinVar:

ClinVar aggregate classification (germline): Likely pathogenic (1 of 4 stars; one submission).

Allele frequency attached by ClinVar (database versions not stated): gnomAD exomes below 0.00001.
gnomAD v4.1: 2 of 1,539,732 alleles (0.00013%); highest among the groups gnomAD compares: Admixed American, 0.002%; no homozygotes.

Submission:

Labcorp Genetics (formerly Invitae), Labcorp
Classification: Likely pathogenic. Last evaluated: 2023-04-28. Review status: criteria provided, single submitter. Criteria: Invitae Variant Classification Sherloc (09022015). Collection method: clinical testing. Allele origin: germline.
Comment: Algorithms developed to predict the effect of sequence changes on RNA splicing suggest that this variant may disrupt the consensus splice site. In summary, the currently available evidence indicates that the variant is pathogenic, but additional data are needed to prove that conclusively. Therefore, this variant has been classified as Likely Pathogenic. This variant has not been reported in the literature in individuals affected with LOXHD1-related conditions. This variant is not present in population databases (gnomAD no frequency). This sequence change affects an acceptor splice site in intron 38 of the LOXHD1 gene. It is expected to disrupt RNA splicing. Variants that disrupt the donor or acceptor splice site typically lead to a loss of protein function (PMID: 16199547), and loss-of-function variants in LOXHD1 are known to be pathogenic (PMID: 19732867, 21465660, 25792669).

Literature cited by the submitters: PubMed 16199547; PubMed 19732867; PubMed 21465660; PubMed 25792669.

NM_001384474.1(LOXHD1):c.6183-1G>A

Gene: LOXHD1 (lipoxygenase homology PLAT domains 1; minus strand). Cytogenetic location: 18q21.1.
Variant type: single nucleotide variant.
Coding change: c.6183-1G>A on transcript NM_001384474.1 (MANE Select); the canonical splice acceptor site of the intron before coding-DNA position 6183, G replaced by A.
Molecular consequence: splice acceptor variant.
Genome position (GRCh38, 1-based): chr18:46,483,746, C>T on the plus strand (G>A on the coding strand, the complement: LOXHD1 is on the minus strand). VCF-style: chr18-46483746-C-T. GRCh37 (hg19) VCF-style: chr18-44063709-C-T.
Other names: c.2850-1G>A (NM_001145472.3); c.2562-1G>A (NM_001308013.2); c.900-1G>A (NM_001173129.2, NM_001145473.3); c.5997-1G>A (NM_144612.7).
Identifiers: ClinVar variation 2800730 (VCV002800730.3), dbSNP rs2511365308, ClinGen allele CA402366184.